The following is an entry in ClinVar:

ClinVar aggregate classification (germline): Uncertain significance (1 of 4 stars; one submission).

Conditions:
Meckel-Gruber syndrome. Also called: DYSENCEPHALIA SPLANCHNOCYSTICA; GRUBER SYNDROME; Dysencephalia splachnocystica. Identifiers: Orphanet 564, MedGen C0265215, MONDO:0018921.
Joubert syndrome. Also called: CEREBELLOPARENCHYMAL DISORDER IV; JOUBERT-BOLTSHAUSER SYNDROME; Familial aplasia of the vermis. Identifiers: Orphanet 475, MedGen C5979921, MONDO:0018772.

Submission:

Labcorp Genetics (formerly Invitae), Labcorp
Classification: Uncertain significance for Joubert syndrome; Meckel-Gruber syndrome. Last evaluated: 2021-08-17. Review status: criteria provided, single submitter. Criteria: Invitae Variant Classification Sherloc (09022015). Collection method: clinical testing. Allele origin: germline.
Comment: This variant, c.2704_2706del, results in the deletion of 1 amino acid(s) of the TMEM67 protein (p.Leu902del), but otherwise preserves the integrity of the reading frame. This variant is not present in population databases (ExAC no frequency). This variant has not been reported in the literature in individuals affected with TMEM67-related conditions. Experimental studies and prediction algorithms are not available or were not evaluated, and the functional significance of this variant is currently unknown. In summary, the available evidence is currently insufficient to determine the role of this variant in disease. Therefore, it has been classified as a Variant of Uncertain Significance.

NM_153704.6(TMEM67):c.2701CTT[1] (p.Leu902del)

Gene: TMEM67 (transmembrane protein 67; plus strand). Cytogenetic location: 8q22.1.
Variant type: Microsatellite.
Coding change: c.2701CTT[1] on transcript NM_153704.6 (MANE Select); one copy of the 3-base unit CTT starting at c.2701; the reference has two copies in a row; one copy, 3 bases deleted.
Protein change: p.Leu902del; deletes leucine 902.
Molecular consequence: inframe deletion. On other transcripts: non-coding transcript variant (1).
Genome position (GRCh38, 1-based): chr8:93,809,827-93,809,829, CTT deleted; deleting any 3 consecutive bases within chr8:93,809,824-93,809,829 gives the same sequence; the position shown is the placement nearest the transcript's 3' end. VCF-style (leftmost placement, unchanged base first): chr8-93809823-GCTT-G. GRCh37 (hg19) VCF-style: chr8-94822051-GCTT-G.
Other names: c.2458CTT[1], p.Leu821del (NM_001142301.1); short protein forms L902del, L821del.
Identifiers: ClinVar variation 1499088 (VCV001499088.3), dbSNP rs2130783329, ClinGen allele CA2580617196.